The following is an entry in ClinVar:

NM_000463.3(UGT1A1):c.865-872G>C

Genes: UGT1A (UDP glucuronosyltransferase family 1 member A complex locus; plus strand), UGT1A1 (UDP glucuronosyltransferase family 1 member A1; plus strand), UGT1A10 (UDP glucuronosyltransferase family 1 member A10; plus strand), UGT1A3 (UDP glucuronosyltransferase family 1 member A3; plus strand), UGT1A4 (UDP glucuronosyltransferase family 1 member A4; plus strand) and 5 more. Cytogenetic location: 2q37.1.
Variant type: single nucleotide variant.
Coding change: c.865-872G>C on transcript NM_000463.3 (MANE Select); 872 bases into the intron before coding-DNA position 865, G replaced by C.
Molecular consequence: intron variant.
Genome position (GRCh38, 1-based): chr2:233,766,162, G>C. VCF-style: chr2-233766162-G-C. GRCh37 (hg19) VCF-style: chr2-234674808-G-C.
Other names: c.856-872G>C (NM_019076.5, NM_019075.4, NM_021027.3 and 1 more transcripts); c.61-872G>C (NM_205862.3); c.862-872G>C (NM_001072.4); c.868-872G>C (NM_019078.2, NM_007120.3, NM_019093.4).
Identifiers: ClinVar variation 4995691 (VCV004995691.1).

ClinVar aggregate classification (germline): Likely benign (1 of 4 stars; one submission).

Conditions:
UGT1A1-related disorder. Also called: UGT1A1-related condition; UGT1A1-related disorders.

Submission:

PreventionGenetics, part of Exact Sciences
Classification: Likely benign for UGT1A1-related condition. Last evaluated: 2026-02-03. Review status: criteria provided, single submitter. Criteria: ACMG Guidelines, 2015. Collection method: clinical testing. Allele origin: germline.
Comment: This variant is classified as likely benign based on ACMG/AMP sequence variant interpretation guidelines (Richards et al. 2015 PMID: 25741868, with internal and published modifications).